The following is an entry in ClinVar:

NM_000179.3(MSH6):c.2806_2809del (p.Asp936fs)

Gene: MSH6 (mutS homolog 6; plus strand). Cytogenetic location: 2p16.3.
Variant type: Deletion.
Coding change: c.2806_2809del on transcript NM_000179.3 (MANE Select); coding-DNA positions 2806 to 2809, 4 bases deleted (GATT; older notation c.2806_2809delGATT).
Protein change: p.Asp936fs; shifts the reading frame from aspartic acid 936.
Molecular consequence: frameshift variant.
Genome position (GRCh38, 1-based): chr2:47,800,789-47,800,792, GATT deleted; deleting any 4 consecutive bases within chr2:47,800,788-47,800,792 gives the same sequence; the c. name uses the placement nearest the transcript's 3' end. VCF-style (leftmost placement, unchanged base first): chr2-47800787-CTGAT-C. GRCh37 (hg19) VCF-style: chr2-48027926-CTGAT-C.
Other names: c.2416_2419del, p.Asp806fs (NM_001281492.2); c.1900_1903del, p.Asp634fs (NM_001281493.2, NM_001281494.2); c.2902_2905delGATT, p.Asp968Metfs (NM_001406795.1, NM_001406802.1); c.2806_2809delGATT, p.Asp936Metfs (NM_001406796.1, NM_001406798.1, NM_001406800.1 and 2 more transcripts); c.2509_2512delGATT, p.Asp837Metfs (NM_001406797.1, NM_001406801.1, NM_001406805.1 and 10 more transcripts); c.2281_2284delGATT, p.Asp761Metfs (NM_001406799.1, NM_001406806.1, NM_001406807.1); c.2728_2731delGATT, p.Asp910Metfs (NM_001406804.1); c.1900_1903delGATT, p.Asp634Metfs (NM_001406811.1, NM_001406812.1, NM_001406814.1 and 4 more transcripts); and 3 more; short protein forms D634fs, D806fs, D936fs.
Identifiers: ClinVar variation 1796268 (VCV001796268.7), dbSNP rs2530694532, ClinGen allele CA2580068073.

ClinVar aggregate classification (germline): Pathogenic. Review status: criteria provided, multiple submitters, no conflicts (2 of 4 stars). 2 submissions from 2 submitters: Pathogenic (2). Last evaluated 2022-07-25.

Conditions:
Hereditary nonpolyposis colorectal neoplasms. Identifiers: MedGen C0009405, MeSH D003123.
Hereditary cancer-predisposing syndrome. Also called: Tumor predisposition; Hereditary Cancer Syndrome; Neoplastic Syndromes, Hereditary; Hereditary neoplastic syndrome. Identifiers: Orphanet 140162, MedGen C0027672, MeSH D009386, MONDO:0015356.

Submissions (2):

Ambry Genetics
Classification: Pathogenic for Hereditary cancer-predisposing syndrome. Last evaluated: 2022-07-25. Review status: criteria provided, single submitter. Criteria: Ambry Variant Classification Scheme 2023. Collection method: clinical testing. Allele origin: germline.
Comment: The c.2806_2809delGATT pathogenic mutation, located in coding exon 4 of the MSH6 gene, results from a deletion of 4 nucleotides at nucleotide positions 2806 to 2809, causing a translational frameshift with a predicted alternate stop codon (p.D936Mfs*8). This variant is considered to be rare based on population cohorts in the Genome Aggregation Database (gnomAD). This alteration is expected to result in loss of function by premature protein truncation or nonsense-mediated mRNA decay. As such, this alteration is interpreted as a disease-causing mutation.

Labcorp Genetics (formerly Invitae), Labcorp
Classification: Pathogenic for Hereditary nonpolyposis colorectal neoplasms. Last evaluated: 2022-05-17. Review status: criteria provided, single submitter. Criteria: Invitae Variant Classification Sherloc (09022015). Collection method: clinical testing. Allele origin: germline.
Comment: This sequence change creates a premature translational stop signal (p.Asp936Metfs*8) in the MSH6 gene. It is expected to result in an absent or disrupted protein product. Loss-of-function variants in MSH6 are known to be pathogenic (PMID: 18269114, 24362816). This variant is not present in population databases (gnomAD no frequency). This variant has not been reported in the literature in individuals affected with MSH6-related conditions. For these reasons, this variant has been classified as Pathogenic.

Literature cited by the submitters: PubMed 18269114 (cited by Labcorp Genetics (formerly Invitae), Labcorp); PubMed 24362816 (cited by Labcorp Genetics (formerly Invitae), Labcorp).